The following is an entry in ClinVar:

ClinVar aggregate classification (germline): Pathogenic/Likely pathogenic. Review status: criteria provided, multiple submitters, no conflicts (2 of 4 stars). 6 submissions from 6 submitters: Pathogenic (5); Likely pathogenic (1). Last evaluated 2024-10-31.

Conditions:
Autosomal recessive congenital ichthyosis 4B (ARCI4B). Also called: Harlequin Fetus; Ichthyosis, congenital, autosomal recessive 4B (harlequin); ICHTHYOSIS CONGENITA, HARLEQUIN FETUS TYPE; HARLEQUIN ICHTHYOSIS. Identifiers: Orphanet 457, MedGen C0598226, MONDO:0009443, OMIM 242500.
Autosomal recessive congenital ichthyosis 4A (LI2). Also called: ICHTHYOSIS CONGENITA IIB. Identifiers: Orphanet 313, MedGen C1832550, MONDO:0011026, OMIM 601277.

Allele frequency attached by ClinVar (database versions not stated): gnomAD exomes below 0.00001.
gnomAD v4.1: 2 of 1,613,972 alleles (0.00012%); highest among the groups gnomAD compares: South Asian, 0.0022%; no homozygotes.

Submissions (6):

GeneDx
Classification: Pathogenic. Last evaluated: 2024-10-31. Review status: criteria provided, single submitter. Criteria: GeneDx Variant Classification Process June 2021. Collection method: clinical testing. Allele origin: germline. Affected: yes.
Comment: Nonsense variant predicted to result in protein truncation or nonsense mediated decay in a gene for which loss of function is a known mechanism of disease; Not observed at significant frequency in large population cohorts (gnomAD); This variant is associated with the following publications: (PMID: 25525159, 16792777, 30809833, 31168818, 34273205, 36980989)

Labcorp Genetics (formerly Invitae), Labcorp
Classification: Pathogenic. Last evaluated: 2023-06-05. Review status: criteria provided, single submitter. Criteria: Invitae Variant Classification Sherloc (09022015). Collection method: clinical testing. Allele origin: germline.
Comment: This sequence change creates a premature translational stop signal (p.Trp1294*) in the ABCA12 gene. It is expected to result in an absent or disrupted protein product. Loss-of-function variants in ABCA12 are known to be pathogenic (PMID: 20672373). ClinVar contains an entry for this variant (Variation ID: 1322149). This premature translational stop signal has been observed in individual(s) with clinical features of congenital ichthyosis (PMID: 31168818). This variant is present in population databases (no rsID available, gnomAD 0.003%). For these reasons, this variant has been classified as Pathogenic.

Department of Pathology and Laboratory Medicine, Sinai Health System
Classification: Likely pathogenic for Autosomal recessive congenital ichthyosis 4A; Autosomal recessive congenital ichthyosis 4B. Last evaluated: 2023-05-09. Review status: criteria provided, single submitter. Criteria: ACMG Guidelines, 2015. Collection method: research. Allele origin: germline.

Neuberg Centre For Genomic Medicine, NCGM
Classification: Pathogenic for Autosomal recessive congenital ichthyosis 4A. Last evaluated: 2023-02-14. Review status: criteria provided, single submitter. Criteria: ACMG Guidelines, 2015. Collection method: clinical testing. Allele origin: germline. Inheritance: Autosomal recessive inheritance. Affected: yes.
Comment: The stop gain c.3882G>A (p.Trp1294Ter) variant in ABCA12 gene has been reported in homozygous or compound heterozygous state in individuals affected with congenital ichthyosis (Akiyama M. 2010). The p.Trp1294Ter variant has allele frequency 0.0004% in gnomAD Exomes and is novel (not in any individuals) in 1000 Genomes. This variant has been reported to the ClinVar database as Pathogenic (multiple submiters). The nucleotide change c.3882G>A in ABCA12 is predicted as conserved by GERP++ and PhyloP across 100 vertebrates. This variant is predicted to cause loss of normal protein function through protein truncation. Loss of function variants have been previously reported to be disease causing. For these reasons, this variant has been classified as Pathogenic.

Revvity Omics, Revvity
Classification: Pathogenic. Last evaluated: 2022-03-02. Review status: criteria provided, single submitter. Criteria: ACMG Guidelines, 2015. Collection method: clinical testing. Allele origin: germline.

Lifecell International Pvt. Ltd
Classification: Pathogenic for Autosomal recessive congenital ichthyosis 4B. Review status: criteria provided, single submitter. Criteria: ACMG Guidelines, 2015. Collection method: clinical testing. Allele origin: germline. Inheritance: Autosomal recessive inheritance. Affected: yes. Observed: 1 homozygote.
Comment: A Homozygote Nonsense variant c.3882G>A in Exon 27 of the ABCA12 gene that results in the amino acid substitution p.Trp1294* was identified. The observed variant has a minimum allele frequency of 0.00000% in gnomAD exomes and genomes, respectively. The severity of the impact of this variant on the protein is high, based on the effect of the protein and REVEL score. Rare Exome Variant Ensemble Learner (REVEL) is an ensembl method for predicting the pathogenicity of missense variants based on a combination of scores from 13 individual tools: MutPred, FATHMM v2.3, VEST 3.0, PolyPhen-2, SIFT, PROVEAN, MutationAssessor, MutationTaster, LRT, GERP++, SiPhy, phyloP, and phastCons. The REVEL score for an individual missense variant can range from 0 to 1, with higher scores reflecting greater likelihood that the variant is disease-causing. ClinVar has also classified this variant as Pathogenic with 0 stars, no assertion criteria provided (variant ID: 1322149). Based on the above evidence this variant has been classified as Pathogenic according to the ACMG guidelines.

Literature cited by the submitters: PubMed 20672373 (cited by Labcorp Genetics (formerly Invitae), Labcorp); PubMed 31168818 (cited by Labcorp Genetics (formerly Invitae), Labcorp).

NM_173076.3(ABCA12):c.3882G>A (p.Trp1294Ter)

Gene: ABCA12 (ATP binding cassette subfamily A member 12; minus strand). Cytogenetic location: 2q35.
Variant type: single nucleotide variant.
Coding change: c.3882G>A on transcript NM_173076.3 (MANE Select); coding-DNA position 3882, G replaced by A.
Protein change: p.Trp1294Ter; replaces tryptophan 1294 with a stop codon.
Molecular consequence: nonsense. On other transcripts: non-coding transcript variant (1).
Genome position (GRCh38, 1-based): chr2:214,987,741, C>T on the plus strand (G>A on the coding strand, the complement: ABCA12 is on the minus strand). VCF-style: chr2-214987741-C-T. GRCh37 (hg19) VCF-style: chr2-215852465-C-T.
Other names: c.2928G>A, p.Trp976Ter (NM_015657.4); short protein forms W1294*, W976*.
Identifiers: ClinVar variation 1322149 (VCV001322149.12), dbSNP rs1452228678, ClinGen allele CA350464973.
Genomic context (GRCh38, chr2:214,987,741, plus strand): 5'-AGTAAACATGAGGCCATTGCTCTTCTCAGGCTTCACCTCTGCACACCCAAATCGCTCCTT[C>T]CAATAGGAAGGAAGAATTGGAAAATACCAGGGAGCTGCCATACCGTATGTCCCTGGAATA-3'